The following is an entry in ClinVar:

ClinVar aggregate classification (germline): Uncertain significance. Review status: criteria provided, single submitter (1 of 4 stars). 2 submissions from 2 submitters: Uncertain significance (1). 1 of the submissions does not count toward it. Last evaluated 2024-02-18.

Conditions:
INPP5E-related disorder. Also called: INPP5E-related condition.
Joubert syndrome 1 (JBTS1). Also called: Cerebellooculorenal syndrome 1; CEREBELLOPARENCHYMAL DISORDER IV. Identifiers: MedGen C4551568, MONDO:0008944, OMIM 213300.
MORM syndrome (MORMS). Identifiers: Orphanet 75858, MedGen C1857802, MONDO:0012423, OMIM 610156.

gnomAD v4.1: 3 of 1,405,780 alleles (0.00021%); highest among the groups gnomAD compares: East Asian, 0.0058%; no homozygotes.

Submissions (2):

Fulgent Genetics
Classification: Uncertain significance for Joubert syndrome 1; MORM syndrome. Last evaluated: 2024-02-18. Review status: criteria provided, single submitter. Criteria: ACMG Guidelines, 2015. Collection method: clinical testing. Allele origin: germline.

PreventionGenetics, part of Exact Sciences
Classification: Uncertain significance for INPP5E-related condition. Last evaluated: 2024-09-10. Review status: no assertion criteria provided. Collection method: clinical testing. Allele origin: germline. Not counted in ClinVar's aggregate classification.
Comment: The INPP5E c.101A>G variant is predicted to result in the amino acid substitution p.Gln34Arg. To our knowledge, this variant has not been reported in the literature or in a large population database. At this time, the clinical significance of this variant is uncertain due to the absence of conclusive functional and genetic evidence.

NM_019892.6(INPP5E):c.101A>G (p.Gln34Arg)

Gene: INPP5E (inositol polyphosphate-5-phosphatase E; minus strand). Cytogenetic location: 9q34.3.
Variant type: single nucleotide variant.
Coding change: c.101A>G on transcript NM_019892.6 (MANE Select); coding-DNA position 101, A replaced by G.
Protein change: p.Gln34Arg; replaces glutamine 34 with arginine.
Molecular consequence: missense variant.
Genome position (GRCh38, 1-based): chr9:136,439,319, T>C on the plus strand (A>G on the coding strand, the complement: INPP5E is on the minus strand). VCF-style: chr9-136439319-T-C. GRCh37 (hg19) VCF-style: chr9-139333771-T-C.
Other names: c.101A>G, p.Gln34Arg (NM_001318502.2); short protein forms Q34R.
Identifiers: ClinVar variation 3347774 (VCV003347774.2).